The following is an entry in ClinVar:

ClinVar aggregate classification (germline): Likely benign. Review status: criteria provided, multiple submitters, no conflicts (2 of 4 stars). 2 submissions from 2 submitters: Likely benign (2). Last evaluated 2026-06-22.

Conditions:
Retinoblastoma (RB1). Also called: RETINOBLASTOMA, SOMATIC. Identifiers: Orphanet 790, MedGen C0035335, MeSH D012175, MONDO:0008380, OMIM 180200, HP:0009919. Disease mechanism: loss of function. Inheritance: Both sporadic and heritable forms are tested..

Allele frequency attached by ClinVar (database versions not stated): TOPMed below 0.00001.

Submissions (2):

Myriad Genetics, Inc.
Classification: Likely benign for Retinoblastoma. Last evaluated: 2026-06-22. Review status: criteria provided, single submitter. Criteria: Myriad Autosomal Dominant, Autosomal Recessive and X-Linked Classification Criteria (2023). Collection method: clinical testing. Allele origin: unknown.
Comment: This variant is considered likely benign. This variant is intronic and is not expected to impact mRNA splicing.

Labcorp Genetics (formerly Invitae), Labcorp
Classification: Likely benign for Retinoblastoma. Last evaluated: 2023-08-23. Review status: criteria provided, single submitter. Criteria: Invitae Variant Classification Sherloc (09022015). Collection method: clinical testing. Allele origin: germline.

NM_000321.3(RB1):c.2326-7G>A

Gene: RB1 (RB transcriptional corepressor 1; plus strand). Cytogenetic location: 13q14.2.
Variant type: single nucleotide variant.
Coding change: c.2326-7G>A on transcript NM_000321.3 (MANE Select); 7 bases into the intron before coding-DNA position 2326, G replaced by A.
Molecular consequence: intron variant.
Genome position (GRCh38, 1-based): chr13:48,465,198, G>A. VCF-style: chr13-48465198-G-A. GRCh37 (hg19) VCF-style: chr13-49039334-G-A.
Other names: c.2326-7G>A (NM_001407165.1).
Identifiers: ClinVar variation 2787364 (VCV002787364.4), dbSNP rs1245572852, ClinGen allele CA2090014106.